The following is an entry in ClinVar:

ClinVar aggregate classification (germline): Uncertain significance (1 of 4 stars; one submission).

Conditions:
Myofibrillar myopathy 3 (MFM3). Also called: Autosomal dominant spheroid body myopathy; Muscular dystrophy, proximal, type 1A. Identifiers: Orphanet 266, Orphanet 268129, MedGen C3714934, MONDO:0012215, OMIM 609200.

Allele frequency attached by ClinVar (database versions not stated): gnomAD 0.00001; TOPMed 0.00001; gnomAD exomes 0.00002; ESP Exome Variant Server 0.00008.
gnomAD v4.1: 34 of 1,613,730 alleles (0.0021%); highest among the groups gnomAD compares: Non-Finnish European, 0.0027%; no homozygotes.

Submission:

Labcorp Genetics (formerly Invitae), Labcorp
Classification: Uncertain significance for Myofibrillar myopathy 3. Last evaluated: 2019-02-18. Review status: criteria provided, single submitter. Criteria: Invitae Variant Classification Sherloc (09022015). Collection method: clinical testing. Allele origin: germline.
Comment: Algorithms developed to predict the effect of missense changes on protein structure and function do not agree on the potential impact of this missense change (SIFT: "Tolerated"; PolyPhen-2: "Probably Damaging"; Align-GVGD: "Class C0"). In summary, the available evidence is currently insufficient to determine the role of this variant in disease. Therefore, it has been classified as a Variant of Uncertain Significance. This variant has not been reported in the literature in individuals with MYOT-related disease. This variant is not present in population databases (ExAC no frequency). This sequence change replaces glycine with arginine at codon 491 of the MYOT protein (p.Gly491Arg). The glycine residue is moderately conserved and there is a moderate physicochemical difference between glycine and arginine.

NM_006790.3(MYOT):c.1471G>A (p.Gly491Arg)

Genes: PKD2L2-DT (PKD2L2 divergent transcript; minus strand), MYOT (myotilin; plus strand). Cytogenetic location: 5q31.2.
Variant type: single nucleotide variant.
Coding change: c.1471G>A on transcript NM_006790.3 (MANE Select); coding-DNA position 1471, G replaced by A.
Protein change: p.Gly491Arg; replaces glycine 491 with arginine.
Molecular consequence: missense variant.
Genome position (GRCh38, 1-based): chr5:137,887,359, G>A. VCF-style: chr5-137887359-G-A. GRCh37 (hg19) VCF-style: chr5-137223048-G-A.
Other names: c.919G>A, p.Gly307Arg (NM_001135940.2); c.1126G>A, p.Gly376Arg (NM_001300911.2); short protein forms G307R, G376R, G491R.
Identifiers: ClinVar variation 858164 (VCV000858164.10), dbSNP rs375274205, ClinGen allele CA128108744.